The following is an entry in ClinVar:

NM_201384.3(PLEC):c.12405C>A (p.Ser4135=)

Gene: PLEC (plectin; minus strand). Cytogenetic location: 8q24.3.
Variant type: single nucleotide variant.
Coding change: c.12405C>A on transcript NM_201384.3 (MANE Select); coding-DNA position 12405, C replaced by A.
Protein change: p.Ser4135=; no amino-acid change (serine 4135 retained).
Molecular consequence: synonymous variant.
Genome position (GRCh38, 1-based): chr8:143,917,416, G>T on the plus strand (C>A on the coding strand, the complement: PLEC is on the minus strand). VCF-style: chr8-143917416-G-T. GRCh37 (hg19) VCF-style: chr8-144991584-G-T.
Other names: c.12309C>A, p.Ser4103= (NM_201381.3); c.12405C>A, p.Ser4135= (NM_201382.4); c.12417C>A, p.Ser4139= (NM_201383.3); c.12486C>A, p.Ser4162= (NM_000445.5); c.9105C>A, p.Ser3035= (NM_001410941.1); c.12363C>A, p.Ser4121= (NM_201378.4); c.12339C>A, p.Ser4113= (NM_201379.3); c.12816C>A, p.Ser4272= (NM_201380.4); and 1 more.
Identifiers: ClinVar variation 3751127 (VCV003751127.3).

ClinVar aggregate classification (germline): Likely benign. Review status: criteria provided, multiple submitters, no conflicts (2 of 4 stars). 2 submissions from 2 submitters: Likely benign (2). Last evaluated 2025-12-12.

Conditions:
Epidermolysis bullosa simplex 5C, with pyloric atresia (EBS5C). Also called: PLEC-Related Epidermolysis Bullosa with Pyloric Atresia; Epidermolysis bullosa simplex with pyloric atresia; PLEC1-Related Epidermolysis Bullosa with Pyloric Atresia. Identifiers: Orphanet 158684, MedGen C2677349, MONDO:0012807, OMIM 612138.
Epidermolysis bullosa simplex with nail dystrophy (EBS5D). Identifiers: MedGen C4225309, MONDO:0014661, OMIM 616487.
Epidermolysis bullosa simplex 5B, with muscular dystrophy (EBS5B). Also called: EPIDERMOLYSIS BULLOSA SIMPLEX AND LIMB-GIRDLE MUSCULAR DYSTROPHY; Epidermolysis bullosa simplex with muscular dystrophy. Identifiers: Orphanet 257, MedGen C2931072, MONDO:0009181, OMIM 226670.
Epidermolysis bullosa simplex, Ogna type (EBS5A). Also called: Pidermolysis bullosa simplex 5A, Ogna type; EPIDERMOLYSIS BULLOSA SIMPLEX 5A, OGNA TYPE. Identifiers: Orphanet 79401, MedGen C0432317, MONDO:0007555, OMIM 131950.
Autosomal recessive limb-girdle muscular dystrophy type 2Q (LGMDR17). Also called: MUSCULAR DYSTROPHY, LIMB-GIRDLE, AUTOSOMAL RECESSIVE 17. Identifiers: Orphanet 254361, MedGen C3150989, MONDO:0013390, OMIM 613723.
PLEC-related disorder. Also called: PLEC-related condition; PLEC-related disorders.

gnomAD v4.1: 18 of 1,612,948 alleles (0.0011%); highest among the groups gnomAD compares: Middle Eastern, 0.033%; no homozygotes.

Submissions (2):

PreventionGenetics, part of Exact Sciences
Classification: Likely benign for PLEC-related condition. Last evaluated: 2025-12-12. Review status: criteria provided, single submitter. Criteria: ACMG Guidelines, 2015. Collection method: clinical testing. Allele origin: germline.
Comment: This variant is classified as likely benign based on ACMG/AMP sequence variant interpretation guidelines (Richards et al. 2015 PMID: 25741868, with internal and published modifications).

Labcorp Genetics (formerly Invitae), Labcorp
Classification: Likely benign for Autosomal recessive limb-girdle muscular dystrophy type 2Q; Epidermolysis bullosa simplex, Ogna type; Epidermolysis bullosa simplex with nail dystrophy; Epidermolysis bullosa simplex 5C, with pyloric atresia; Epidermolysis bullosa simplex 5B, with muscular dystrophy. Last evaluated: 2024-10-03. Review status: criteria provided, single submitter. Criteria: Invitae Variant Classification Sherloc (09022015). Collection method: clinical testing. Allele origin: germline.